The following is an entry in ClinVar:

NM_001122955.4(BSCL2):c.1087GAG[1] (p.Glu364del)

Genes: BSCL2 (BSCL2 lipid droplet biogenesis associated, seipin; minus strand), HNRNPUL2-BSCL2 (HNRNPUL2-BSCL2 readthrough (NMD candidate); minus strand). Cytogenetic location: 11q12.3.
Variant type: Microsatellite.
Coding change: c.1087GAG[1] on transcript NM_001122955.4 (MANE Select); one copy of the 3-base unit GAG starting at c.1087; the reference has two copies in a row; one copy, 3 bases deleted.
Protein change: p.Glu364del; deletes glutamic acid 364.
Molecular consequence: inframe deletion. On other transcripts: non-coding transcript variant (1).
Genome position (GRCh38, 1-based): chr11:62,690,848-62,690,850, CTC deleted on the plus strand (GAG on the coding strand, the reverse complement: BSCL2 is on the minus strand); deleting any 3 consecutive bases within chr11:62,690,848-62,690,855 gives the same sequence; the position shown is the placement nearest the transcript's 3' end. VCF-style (leftmost placement, unchanged base first): chr11-62690847-ACTC-A. GRCh37 (hg19) VCF-style: chr11-62458319-ACTC-A.
Other names: c.753GAG[1], p.Arg252del (NM_001130702.2); c.1093GAG[1], p.Glu366del (NM_001386027.1); c.1087GAG[1], p.Glu364del (NM_001386028.1); c.895GAG[1], p.Glu300del (NM_032667.6); short protein forms E300del, E366del, E364del, R252del.
Identifiers: ClinVar variation 1925820 (VCV001925820.5), dbSNP rs1383132842, ClinGen allele CA599797787.

ClinVar aggregate classification (germline): Uncertain significance (1 of 4 stars; one submission).

Conditions:
Charcot-Marie-Tooth disease type 2. Also called: Charcot-Marie-Tooth type 2. Identifiers: Orphanet 64746, MedGen C0270914, MONDO:0018993.

Submission:

Labcorp Genetics (formerly Invitae), Labcorp
Classification: Uncertain significance for Charcot-Marie-Tooth disease type 2. Last evaluated: 2021-12-29. Review status: criteria provided, single submitter. Criteria: Invitae Variant Classification Sherloc (09022015). Collection method: clinical testing. Allele origin: germline.
Comment: In summary, the available evidence is currently insufficient to determine the role of this variant in disease. Therefore, it has been classified as a Variant of Uncertain Significance. Experimental studies and prediction algorithms are not available or were not evaluated, and the functional significance of this variant is currently unknown. This variant has not been reported in the literature in individuals affected with BSCL2-related conditions. This variant is present in population databases (no rsID available, gnomAD 0.0009%). This variant, c.898_900del, results in the deletion of 1 amino acid(s) of the BSCL2 protein (p.Glu300del), but otherwise preserves the integrity of the reading frame.